The following is an entry in ClinVar:

ClinVar aggregate classification (germline): Pathogenic/Likely pathogenic. Review status: criteria provided, multiple submitters, no conflicts (2 of 4 stars). 4 submissions from 4 submitters: Pathogenic (1); Likely pathogenic (2). 1 of the submissions does not count toward it. Last evaluated 2026-02-04.

Conditions:
Niemann-Pick disease, type B. Also called: Chronic Visceral ASMD (Niemann-Pick Disease Type B; NPD-B). Identifiers: Orphanet 77293, MedGen C0268243, MONDO:0011871, OMIM 607616. Disease mechanism: loss of function.
Niemann-Pick disease, type A. Also called: SPHINGOMYELIN LIPIDOSIS; SPHINGOMYELINASE DEFICIENCY; Infantile Neurovisceral ASMD (Niemann-Pick Disease Type A; NPD-A). Identifiers: Orphanet 77292, MedGen C0268242, MONDO:0009756, OMIM 257200. Disease mechanism: loss of function.
SMPD1-related disorder. Also called: SMPD1-related condition.

Submissions (4):

Dasa
Classification: Likely pathogenic. Last evaluated: 2026-02-04. Review status: criteria provided, single submitter. Criteria: DASA Assertion Criteria. Collection method: clinical testing. Allele origin: germline.
Comment: NM_000543.5(SMPD1):c.1805G>C (p.Arg602Pro) is a missense variant that results in the substitution of arginine with proline. The affected residue or protein region has prior evidence supporting clinical relevance. Functional evidence supports an impact on the gene or gene product (PMID: 16010684; PMID: 21098024; PMID: 12369017). Also, this variant is rare in population databases. Computational evidence supports a deleterious effect. Based on the currently available evidence, this variant is classified as likely pathogenic.

Natera, Inc.
Classification: Pathogenic for Niemann-Pick Disease, Types A/B. Last evaluated: 2025-05-12. Review status: criteria provided, single submitter. Criteria: Natera Variant Classification Schema (03/2026). Collection method: clinical testing. Allele origin: germline.
Comment: The c.1805G>C variant in SMPD1 is a missense variant predicted to cause substitution of arginine to proline at amino acid 602. This variant is rare in the general population with a frequency below the threshold expected for the associated phenotype(s). This variant has been observed in one or more individuals affected with the associated recessive disease, as either homozygous or compound heterozygous with a second variant (PMID: 15241805). Functional studies show that this variant may disrupt protein function (PMID: 16010684). A different variant at the same position has been determined to be Pathogenic or Likely Pathogenic. Computational prediction algorithms indicate this variant is likely to affect gene or protein function. Given the available evidence, this variant is classified as Pathogenic.

Fulgent Genetics
Classification: Likely pathogenic for Niemann-Pick disease, type A; Niemann-Pick disease, type B. Last evaluated: 2024-02-10. Review status: criteria provided, single submitter. Criteria: ACMG Guidelines, 2015. Collection method: clinical testing. Allele origin: germline.

PreventionGenetics, part of Exact Sciences
Classification: Likely pathogenic for SMPD1-related condition. Last evaluated: 2024-05-16. Review status: no assertion criteria provided. Collection method: clinical testing. Allele origin: germline. Not counted in ClinVar's aggregate classification.
Comment: The SMPD1 c.1805G>C variant is predicted to result in the amino acid substitution p.Arg602Pro. This variant, also known as R600P using legacy nomenclature, has been reported in an individual with Niemann-Pick disease (Simonaro et al. 2002. PubMed ID: 12369017). In vitro functional studies showed that expression of this variant result in protein mislocalization and reduced enzyme activity (Dardis et al. 2005. PubMed ID: 16010684; Jenkins et al. 2010. PubMed ID: 21098024). This variant has not been reported in a large population database, indicating this variant is rare. Different substitutions affecting the same amino acid (p.Arg602Cys and p.Arg602His) have also been reported in association with Niemann-Pick disease (Hu et al. 2021. PubMed ID: 33675270; Dardis et al. 2005. PubMed ID: 16010684). Taken together, his variant is interpreted as likely pathogenic.

Literature cited by the submitters: PubMed 16010684 (cited by Dasa and Natera, Inc.); PubMed 21098024 (cited by Dasa); PubMed 12369017 (cited by Dasa); PubMed 15241805 (cited by Natera, Inc.).

NM_000543.5(SMPD1):c.1805G>C (p.Arg602Pro)

Gene: SMPD1 (sphingomyelin phosphodiesterase 1; plus strand). Cytogenetic location: 11p15.4.
Variant type: single nucleotide variant.
Coding change: c.1805G>C on transcript NM_000543.5 (MANE Select); coding-DNA position 1805, G replaced by C.
Protein change: p.Arg602Pro; replaces arginine 602 with proline.
Molecular consequence: missense variant. On other transcripts: 3 prime UTR variant (1), non-coding transcript variant (2).
Genome position (GRCh38, 1-based): chr11:6,394,516, G>C. VCF-style: chr11-6394516-G-C. GRCh37 (hg19) VCF-style: chr11-6415746-G-C.
Other names: c.1802G>C, p.Arg601Pro (NM_001007593.3); c.*298G>C (NM_001318087.2); c.884G>C, p.Arg295Pro (NM_001318088.2); c.1673G>C, p.Arg558Pro (NM_001365135.2); short protein forms R295P, R558P, R601P, R602P.
Identifiers: ClinVar variation 3347672 (VCV003347672.5).